The following is an entry in ClinVar:

NM_001277115.2(DNAH11):c.2402C>T (p.Thr801Met)

Gene: DNAH11 (dynein axonemal heavy chain 11; plus strand). Cytogenetic location: 7p15.3.
Variant type: single nucleotide variant.
Coding change: c.2402C>T on transcript NM_001277115.2 (MANE Select); coding-DNA position 2402, C replaced by T.
Protein change: p.Thr801Met; replaces threonine 801 with methionine.
Molecular consequence: missense variant.
Genome position (GRCh38, 1-based): chr7:21,591,312, C>T. VCF-style: chr7-21591312-C-T. GRCh37 (hg19) VCF-style: chr7-21630930-C-T.
Other names: short protein forms T801M.
Identifiers: ClinVar variation 1433867 (VCV001433867.10), dbSNP rs370878968, ClinGen allele CA4179328.

ClinVar aggregate classification (germline): Conflicting classifications of pathogenicity. Review status: criteria provided, conflicting classifications (1 of 4 stars). 2 submissions from 2 submitters: Uncertain significance (1); Benign (1). Last evaluated 2025-11-08.

Conditions:
Primary ciliary dyskinesia. Also called: Ciliary dyskinesia. Identifiers: Orphanet 244, MedGen C0008780, MONDO:0016575, HP:0012265.

Allele frequency attached by ClinVar (database versions not stated): ExAC 0.00005; gnomAD 0.00005 and 0.00006; gnomAD exomes 0.00006; TOPMed 0.00008; ESP Exome Variant Server 0.00016.
gnomAD v4.1: 149 of 1,613,672 alleles (0.0092%); highest among the groups gnomAD compares: Non-Finnish European, 0.012%; no homozygotes.

Submissions (2):

Labcorp Genetics (formerly Invitae), Labcorp
Classification: Benign for Primary ciliary dyskinesia. Last evaluated: 2025-11-08. Review status: criteria provided, single submitter. Criteria: Invitae Variant Classification Sherloc (09022015). Collection method: clinical testing. Allele origin: germline.

Ambry Genetics
Classification: Uncertain significance for Primary ciliary dyskinesia. Last evaluated: 2015-12-30. Review status: criteria provided, single submitter. Criteria: Ambry Variant Classification Scheme 2023. Collection method: clinical testing. Allele origin: germline.
Comment: The p.T801M variant (also known as c.2402C>T), located in coding exon 14 of the DNAH11 gene, results from a C to T substitution at nucleotide position 2402. The threonine at codon 801 is replaced by methionine, an amino acid with similar properties. This variant was previously reported in the SNPDatabase as rs370878968. Based on data from the NHLBI Exome Sequencing Project (ESP), the T allele has an overall frequency of approximately 0.02% (2/12390) total alleles studied, having been observed in 0.05% (2/4034) African American alleles. Allele frequency data for this nucleotide position is not currently available from the 1000 Genomes Project. This amino acid position is not well conserved in available vertebrate species. In addition, this alteration is predicted to be tolerated by in silico analysis. Since supporting evidence is limited at this time, the clinical significance of this variant remains unclear.